The following is an entry in ClinVar:

NM_017780.4(CHD7):c.6473del (p.Ser2158fs)

Gene: CHD7 (chromodomain helicase DNA binding protein 7; plus strand). Cytogenetic location: 8q12.2.
Variant type: Deletion.
Coding change: c.6473del on transcript NM_017780.4 (MANE Select); coding-DNA position 6473, one base deleted (C; older notation c.6473delC).
Protein change: p.Ser2158fs; shifts the reading frame from serine 2158.
Molecular consequence: frameshift variant. On other transcripts: intron variant (1).
Genome position (GRCh38, 1-based): chr8:60,853,198, C deleted. VCF-style (leftmost placement, unchanged base first): chr8-60853197-TC-T. GRCh37 (hg19) VCF-style: chr8-61765756-TC-T.
Other names: c.1717-9031del (NM_001316690.1); short protein forms S2158fs.
Identifiers: ClinVar variation 581030 (VCV000581030.6), dbSNP rs1563660938, ClinGen allele CA891843138.

ClinVar aggregate classification (germline): Pathogenic (1 of 4 stars; one submission).

Conditions:
CHARGE syndrome (CHARGE). Also called: Hittner Hirsch Kreh syndrome; Coloboma, heart anomaly, choanal atresia, retardation, genital and ear anomalies; CHARGE association; Hall-Hittner syndrome; CHARGE ASSOCIATION--COLOBOMA, HEART ANOMALY, CHOANAL ATRESIA, RETARDATION, GENITAL AND EAR ANOMALIES. Identifiers: Orphanet 138, MedGen C0265354, MONDO:0008965.

Submission:

Labcorp Genetics (formerly Invitae), Labcorp
Classification: Pathogenic for CHARGE syndrome. Last evaluated: 2018-04-11. Review status: criteria provided, single submitter. Criteria: Invitae Variant Classification Sherloc (09022015). Collection method: clinical testing. Allele origin: germline.
Comment: For these reasons, this variant has been classified as Pathogenic. Loss-of-function variants in CHD7 are known to be pathogenic (PMID: 22461308, 25077900). This variant has not been reported in the literature in individuals with CHD7-related disease. This variant is not present in population databases (ExAC no frequency). This sequence change creates a premature translational stop signal (p.Ser2158Tyrfs*57) in the CHD7 gene. It is expected to result in an absent or disrupted protein product.

Literature cited by the submitters: PubMed 22461308; PubMed 25077900.